The following is an entry in ClinVar:

ClinVar aggregate classification (germline): Uncertain significance (1 of 4 stars; one submission).

Conditions:
Hereditary cancer-predisposing syndrome. Also called: Neoplastic Syndromes, Hereditary; Tumor predisposition; Hereditary neoplastic syndrome; Hereditary Cancer Syndrome. Identifiers: Orphanet 140162, MedGen C0027672, MeSH D009386, MONDO:0015356.

Submission:

Ambry Genetics
Classification: Uncertain significance for Hereditary cancer-predisposing syndrome. Last evaluated: 2019-10-31. Review status: criteria provided, single submitter. Criteria: Ambry Variant Classification Scheme 2023. Collection method: clinical testing. Allele origin: germline.
Comment: The p.L27P variant (also known as c.80T>C), located in coding exon 1 of the HOXB13 gene, results from a T to C substitution at nucleotide position 80. The leucine at codon 27 is replaced by proline, an amino acid with similar properties. This amino acid position is well conserved in available vertebrate species. In addition, the in silico prediction for this alteration is inconclusive. Since supporting evidence is limited at this time, the clinical significance of this alteration remains unclear.

NM_006361.6(HOXB13):c.80T>C (p.Leu27Pro)

Gene: HOXB13 (homeobox B13; minus strand). Cytogenetic location: 17q21.32.
Variant type: single nucleotide variant.
Coding change: c.80T>C on transcript NM_006361.6 (MANE Select); coding-DNA position 80, T replaced by C.
Protein change: p.Leu27Pro; replaces leucine 27 with proline.
Molecular consequence: missense variant.
Genome position (GRCh38, 1-based): chr17:48,728,514, A>G on the plus strand (T>C on the coding strand, the complement: HOXB13 is on the minus strand). VCF-style: chr17-48728514-A-G. GRCh37 (hg19) VCF-style: chr17-46805876-A-G.
Other names: short protein forms L27P.
Identifiers: ClinVar variation 827455 (VCV000827455.4), dbSNP rs1597935182, ClinGen allele CA400109538.